The following is an entry in ClinVar:

NM_030662.4(MAP2K2):c.706-350C>T

Gene: MAP2K2 (mitogen-activated protein kinase kinase 2; minus strand). Cytogenetic location: 19p13.3.
Variant type: single nucleotide variant.
Coding change: c.706-350C>T on transcript NM_030662.4 (MANE Select); 350 bases into the intron before coding-DNA position 706, C replaced by T.
Molecular consequence: intron variant.
Genome position (GRCh38, 1-based): chr19:4,099,764, G>A on the plus strand (C>T on the coding strand, the complement: MAP2K2 is on the minus strand). VCF-style: chr19-4099764-G-A. GRCh37 (hg19) VCF-style: chr19-4099762-G-A.
Identifiers: ClinVar variation 1879413 (VCV001879413.29), dbSNP rs145893317, ClinGen allele CA304449429.

ClinVar aggregate classification (germline): Likely benign (1 of 4 stars; one submission).

Allele frequency attached by ClinVar (database versions not stated): 1000 Genomes Project 30x 0.00125; 1000 Genomes Project 0.00140; TOPMed 0.00189; gnomAD exomes 0.00256; gnomAD 0.00283.
gnomAD v4.1: 915 of 346,532 alleles (0.26%); highest among the groups gnomAD compares: Middle Eastern, 0.64%; 3 homozygotes.

Submission:

CeGaT Center for Human Genetics Tuebingen
Classification: Likely benign. Last evaluated: 2023-01-01. Review status: criteria provided, single submitter. Criteria: CeGaT Center For Human Genetics Tuebingen Variant Classification Criteria Version 2. Collection method: clinical testing. Allele origin: germline. Affected: yes. Observed: 6 variant alleles.
Comment: MAP2K2: BS1